The following is an entry in ClinVar:

NM_005548.3(KARS1):c.63-2653C>T

Gene: KARS1 (lysyl-tRNA synthetase 1; minus strand). Cytogenetic location: 16q23.1.
Variant type: single nucleotide variant.
Coding change: c.63-2653C>T on transcript NM_005548.3 (MANE Select); 2653 bases into the intron before coding-DNA position 63, C replaced by T.
Molecular consequence: intron variant. On other transcripts: missense variant (1).
Genome position (GRCh38, 1-based): chr16:75,644,376, G>A on the plus strand (C>T on the coding strand, the complement: KARS1 is on the minus strand). VCF-style: chr16-75644376-G-A. GRCh37 (hg19) VCF-style: chr16-75678274-G-A.
Other names: c.53C>T, p.Ser18Phe (NM_001130089.2); c.-406-2653C>T (NM_001378148.1); short protein forms S18F.
Identifiers: ClinVar variation 736411 (VCV000736411.17), dbSNP rs534898558, ClinGen allele CA8177806.

ClinVar aggregate classification (germline): Benign/Likely benign. Review status: criteria provided, multiple submitters, no conflicts (2 of 4 stars). 4 submissions from 4 submitters: Benign (1); Likely benign (3). Last evaluated 2025-03-01.

Conditions:
KARS1-related disorder. Also called: KARS1-related disorders.

Allele frequency attached by ClinVar (database versions not stated): gnomAD below 0.00001 and 0.00012; TOPMed 0.00002; gnomAD exomes 0.00032 and 0.00068; ExAC 0.00085; 1000 Genomes Project 30x 0.00109; 1000 Genomes Project 0.00120.
gnomAD v4.1: 488 of 1,612,606 alleles (0.03%); highest among the groups gnomAD compares: South Asian, 0.51%; 10 homozygotes.

Submissions (4):

CeGaT Center for Human Genetics Tuebingen
Classification: Likely benign. Last evaluated: 2025-03-01. Review status: criteria provided, single submitter. Criteria: CeGaT Center For Human Genetics Tuebingen Variant Classification Criteria Version 2. Collection method: clinical testing. Allele origin: germline. Affected: yes. Observed: 1 variant allele.
Comment: KARS1: BS2

PreventionGenetics, part of Exact Sciences
Classification: Likely benign for KARS1-related condition. Last evaluated: 2024-12-12. Review status: criteria provided, single submitter. Criteria: ACMG Guidelines, 2015. Collection method: clinical testing. Allele origin: germline.
Comment: This variant is classified as likely benign based on ACMG/AMP sequence variant interpretation guidelines (Richards et al. 2015 PMID: 25741868, with internal and published modifications).

Labcorp Genetics (formerly Invitae), Labcorp
Classification: Benign. Last evaluated: 2024-10-25. Review status: criteria provided, single submitter. Criteria: Invitae Variant Classification Sherloc (09022015). Collection method: clinical testing. Allele origin: germline.

GeneDx
Classification: Likely benign. Last evaluated: 2021-01-18. Review status: criteria provided, single submitter. Criteria: GeneDx Variant Classification Process June 2021. Collection method: clinical testing. Allele origin: germline. Affected: yes.